The following is an entry in ClinVar:

ClinVar aggregate classification (germline): Uncertain significance (1 of 4 stars; one submission).

Conditions:
Ehlers-Danlos syndrome, classic type, 1 (EDSCL1). Also called: EHLERS-DANLOS SYNDROME, GRAVIS TYPE; EHLERS-DANLOS SYNDROME, SEVERE CLASSIC TYPE; Ehlers-Danlos syndrome, type 1; Ehlers-Danlos Syndrome, Classic Type, COL5A1-Related; EDS I. Identifiers: MedGen C0268335, MONDO:0019567, OMIM 130000.
Osteogenesis imperfecta type I (OI1). Also called: OI, TYPE I; OSTEOGENESIS IMPERFECTA TARDA; OSTEOGENESIS IMPERFECTA WITH BLUE SCLERAE; Osteogenesis imperfecta type 1; Lobstein's Disease; Lobstein disease. Identifiers: Orphanet 216796, Orphanet 666, MedGen C0023931, MONDO:0008146, OMIM 166200. Disease mechanism: loss of function.

gnomAD v4.1: 2 of 1,611,896 alleles (0.00012%); highest among the groups gnomAD compares: Admixed American, 0.0033%; no homozygotes.

Submission:

Labcorp Genetics (formerly Invitae), Labcorp
Classification: Uncertain significance for Osteogenesis imperfecta type I; Ehlers-Danlos syndrome, classic type, 1. Last evaluated: 2025-05-23. Review status: criteria provided, single submitter. Criteria: Invitae Variant Classification Sherloc (09022015). Collection method: clinical testing. Allele origin: germline.
Comment: This sequence change falls in intron 11 of the COL1A2 gene. It does not directly change the encoded amino acid sequence of the COL1A2 protein. It affects a nucleotide within the consensus splice site. This variant is present in population databases (no rsID available, gnomAD 0.003%). This variant has not been reported in the literature in individuals affected with COL1A2-related conditions. Variants that disrupt the consensus splice site are a relatively common cause of aberrant splicing (PMID: 17576681, 9536098). Algorithms developed to predict the effect of sequence changes on RNA splicing suggest that this variant is not likely to affect RNA splicing. In summary, the available evidence is currently insufficient to determine the role of this variant in disease. Therefore, it has been classified as a Variant of Uncertain Significance.

Literature cited by the submitters: PubMed 17576681; PubMed 9536098.

NM_000089.4(COL1A2):c.540+3G>A

Gene: COL1A2 (collagen type I alpha 2 chain; plus strand). Cytogenetic location: 7q21.3.
Variant type: single nucleotide variant.
Coding change: c.540+3G>A on transcript NM_000089.4 (MANE Select); 3 bases into the intron after coding-DNA position 540, G replaced by A.
Molecular consequence: intron variant.
Genome position (GRCh38, 1-based): chr7:94,405,729, G>A. VCF-style: chr7-94405729-G-A. GRCh37 (hg19) VCF-style: chr7-94035041-G-A.
Identifiers: ClinVar variation 4793114 (VCV004793114.1).